The following is an entry in ClinVar:

NM_005045.4(RELN):c.59C>T (p.Thr20Met)

Gene: RELN (reelin; minus strand). Cytogenetic location: 7q22.1.
Variant type: single nucleotide variant.
Coding change: c.59C>T on transcript NM_005045.4 (MANE Select); coding-DNA position 59, C replaced by T.
Protein change: p.Thr20Met; replaces threonine 20 with methionine.
Molecular consequence: missense variant.
Genome position (GRCh38, 1-based): chr7:103,989,298, G>A on the plus strand (C>T on the coding strand, the complement: RELN is on the minus strand). VCF-style: chr7-103989298-G-A. GRCh37 (hg19) VCF-style: chr7-103629745-G-A.
Other names: c.59C>T, p.Thr20Met (NM_173054.3); short protein forms T20M.
Identifiers: ClinVar variation 542588 (VCV000542588.16), dbSNP rs145135688, ClinGen allele CA4422734.

ClinVar aggregate classification (germline): Conflicting classifications of pathogenicity. Review status: criteria provided, conflicting classifications (1 of 4 stars). 4 submissions from 4 submitters: Uncertain significance (3); Benign (1). Last evaluated 2026-01-13.

Conditions:
Familial temporal lobe epilepsy 7. Identifiers: Orphanet 101046, MedGen C4225327, MONDO:0014639, OMIM 616436.
Norman-Roberts syndrome (LIS2). Also called: Lissencephaly 2 (Norman-Roberts type). Identifiers: Orphanet 89844, MedGen C0796089, MONDO:0009760, OMIM 257320.
Epilepsy, familial temporal lobe, 1. Identifiers: Orphanet 101046, MedGen CN030884, MONDO:0700090, OMIM 600512.

Allele frequency attached by ClinVar (database versions not stated): gnomAD exomes 0.00003 and 0.00007; ExAC 0.00006; 1000 Genomes Project 30x 0.00016; 1000 Genomes Project 0.00020; gnomAD 0.00023 and 0.00024; TOPMed 0.00023; ESP Exome Variant Server 0.00038.
gnomAD v4.1: 82 of 1,612,042 alleles (0.0051%); highest among the groups gnomAD compares: African/African-American, 0.092%; no homozygotes.

Submissions (4):

Labcorp Genetics (formerly Invitae), Labcorp
Classification: Benign for Familial temporal lobe epilepsy 7; Norman-Roberts syndrome. Last evaluated: 2026-01-13. Review status: criteria provided, single submitter. Criteria: Invitae Variant Classification Sherloc (09022015). Collection method: clinical testing. Allele origin: germline.

Women's Health and Genetics/Laboratory Corporation of America, LabCorp
Classification: Uncertain significance. Last evaluated: 2025-07-22. Review status: criteria provided, single submitter. Criteria: LabCorp Variant Classification Summary - May 2015. Collection method: clinical testing. Allele origin: germline.
Comment: Variant summary: RELN c.59C>T (p.Thr20Met) results in a non-conservative amino acid change in the encoded protein sequence. Algorithms developed to predict the effect of missense changes on protein structure and function are either unavailable or do not agree on the potential impact of this missense change. The variant allele was found at a frequency of 7e-05 in 244322 control chromosomes. This frequency is not significantly higher than estimated for a pathogenic variant in RELN causing Epilepsy Familial Temporal Lobe 7, allowing no conclusion about variant significance. To our knowledge, no occurrence of c.59C>T in individuals affected with Epilepsy Familial Temporal Lobe 7 and no experimental evidence demonstrating its impact on protein function have been reported. ClinVar contains an entry for this variant (Variation ID: 542588). Based on the evidence outlined above, the variant was classified as uncertain significance.

GeneDx
Classification: Uncertain significance. Last evaluated: 2020-12-21. Review status: criteria provided, single submitter. Criteria: GeneDx Variant Classification Process June 2021. Collection method: clinical testing. Allele origin: germline. Affected: yes.
Comment: In silico analysis supports that this missense variant does not alter protein structure/function; Has not been previously published as pathogenic or benign to our knowledge

Fulgent Genetics
Classification: Uncertain significance for Norman-Roberts syndrome; Epilepsy, familial temporal lobe, 1; Familial temporal lobe epilepsy 7. Last evaluated: 2018-10-31. Review status: criteria provided, single submitter. Criteria: ACMG Guidelines, 2015. Collection method: clinical testing. Allele origin: unknown.